The following is an entry in ClinVar:

ClinVar aggregate classification (germline): Likely pathogenic (1 of 4 stars; one submission).

Conditions:
Hyperornithinemia-hyperammonemia-homocitrullinuria syndrome (HHHS). Also called: HHH SYNDROME; Ornithine translocase deficiency. Identifiers: Orphanet 415, MedGen C0268540, MONDO:0009393, OMIM 238970.

Submission:

Natera, Inc.
Classification: Likely pathogenic for Hyperornithinemia-hyperammonemia-homocitrullinuria syndrome. Last evaluated: 2025-01-28. Review status: criteria provided, single submitter. Criteria: Natera Variant Classification Schema (03/2026). Collection method: clinical testing. Allele origin: germline.
Comment: The c.338delG variant in SLC25A15 is a frameshift variant predicted to shift the reading frame beginning at codon 113 and leads to a stop codon 18 codons downstream. This variant is expected to result in nonsense mediated decay, truncation, or a dysfunctional protein product. This variant is rare in the general population with a frequency below the threshold expected for the associated phenotype(s). Given the available evidence, this variant is classified as Likely Pathogenic.

NM_014252.4(SLC25A15):c.338del (p.Gly113fs)

Gene: SLC25A15 (solute carrier family 25 member 15; plus strand). Cytogenetic location: 13q14.11.
Variant type: Deletion.
Coding change: c.338del on transcript NM_014252.4 (MANE Select); coding-DNA position 338, one base deleted (G; older notation c.338delG).
Protein change: p.Gly113fs; shifts the reading frame from glycine 113.
Molecular consequence: frameshift variant.
Genome position (GRCh38, 1-based): chr13:40,805,141, G deleted; the last of 2 consecutive G bases (chr13:40,805,140-40,805,141); deleting either gives the same sequence. VCF-style (leftmost placement, unchanged base first): chr13-40805139-CG-C. GRCh37 (hg19) VCF-style: chr13-41379275-CG-C.
Other names: short protein forms G113fs.
Identifiers: ClinVar variation 4815648 (VCV004815648.1).